The following is an entry in ClinVar:

NM_152419.3(HGSNAT):c.1102A>T (p.Lys368Ter)

Gene: HGSNAT (heparan-alpha-glucosaminide N-acetyltransferase; plus strand). Cytogenetic location: 8p11.21.
Variant type: single nucleotide variant.
Coding change: c.1102A>T on transcript NM_152419.3 (MANE Select); coding-DNA position 1102, A replaced by T.
Protein change: p.Lys368Ter; replaces lysine 368 with a stop codon.
Molecular consequence: nonsense.
Genome position (GRCh38, 1-based): chr8:43,182,234, A>T. VCF-style: chr8-43182234-A-T. GRCh37 (hg19) VCF-style: chr8-43037377-A-T.
Other names: c.1102A>T, p.Lys368Ter (NM_001363227.2); c.910A>T, p.Lys304Ter (NM_001363228.2); c.238A>T, p.Lys80Ter (NM_001363229.2); short protein forms K368*, K80*, K304*.
Identifiers: ClinVar variation 373465 (VCV000373465.8), dbSNP rs954238515, ClinGen allele CA16042729.
Genomic context (GRCh38, chr8:43,182,234, plus strand): 5'-GTGCTGCAGCGATTGGGAGTGACATACTTTGTGGTTGCTGTGTTGGAGCTCCTCTTTGCT[A>T]AACCTGTGCCTGAACATTGTGCCTCGGTGAGAAACCATGTTTTAATTAAGAAAAACTTTT-3'

ClinVar aggregate classification (germline): Pathogenic/Likely pathogenic. Review status: criteria provided, multiple submitters, no conflicts (2 of 4 stars). 3 submissions from 3 submitters: Pathogenic (1); Likely pathogenic (2). Last evaluated 2025-03-17.

Conditions:
Mucopolysaccharidosis, MPS-III-C (MPS3C). Also called: MUCOPOLYSACCHARIDOSIS, TYPE IIIC; Mucopolysaccharidosis type IIIC (Sanfilippo C); MPS IIIC (Sanfilippo Syndrome Type C); SANFILIPPO SYNDROME C; mucopolysaccharidosis type 3C; MPS III C. Identifiers: Orphanet 581, Orphanet 79271, MedGen C0086649, MONDO:0009657, OMIM 252930.
Retinitis pigmentosa 73 (RP73). Identifiers: Orphanet 791, MedGen C4225287, MONDO:0014687, OMIM 616544.
HGSNAT-related disorders.

Allele frequency attached by ClinVar (database versions not stated): gnomAD exomes 0.00001.

Submissions (3):

Labcorp Genetics (formerly Invitae), Labcorp
Classification: Pathogenic for Retinitis pigmentosa 73; Mucopolysaccharidosis, MPS-III-C. Last evaluated: 2025-03-17. Review status: criteria provided, single submitter. Criteria: Invitae Variant Classification Sherloc (09022015). Collection method: clinical testing. Allele origin: germline.
Comment: This sequence change creates a premature translational stop signal (p.Lys368*) in the HGSNAT gene. It is expected to result in an absent or disrupted protein product. Loss-of-function variants in HGSNAT are known to be pathogenic (PMID: 17033958, 19479962, 25859010). This variant is not present in population databases (gnomAD no frequency). This variant has not been reported in the literature in individuals affected with HGSNAT-related conditions. ClinVar contains an entry for this variant (Variation ID: 373465). For these reasons, this variant has been classified as Pathogenic.

Blueprint Genetics
Classification: Likely pathogenic for HGSNAT-related disorders. Last evaluated: 2020-09-21. Review status: criteria provided, single submitter. Criteria: ACMG Guidelines, 2015. Collection method: clinical testing. Allele origin: germline. Affected: yes. Observed: 2 variant alleles.

GeneDx
Classification: Likely pathogenic. Last evaluated: 2018-08-03. Review status: criteria provided, single submitter. Criteria: GeneDx Variant Classification (06012015). Collection method: clinical testing. Allele origin: germline. Affected: yes.
Comment: The K368X variant in the HGSNAT gene has not been reported previously as a pathogenic variant nor as a benignvariant, to our knowledge. This variant is predicted to cause loss of normal protein function either through proteintruncation or nonsense-mediated mRNA decay. The K368X variant was not observed in approximately 6200individuals of European and African American ancestry in the NHLBI Exome Sequencing Project, indicating it is nota common benign variant in these populations. The K368X variant is a strong candidate for a pathogenic variant,however the possibility it may be a rare benign variant cannot be excluded.

Literature cited by the submitters: PubMed 17033958 (cited by Labcorp Genetics (formerly Invitae), Labcorp); PubMed 19479962 (cited by Labcorp Genetics (formerly Invitae), Labcorp); PubMed 25859010 (cited by Labcorp Genetics (formerly Invitae), Labcorp).